The following is an entry in ClinVar:

NM_001042492.3(NF1):c.2420G>A (p.Ser807Asn)

Gene: NF1 (neurofibromin 1; plus strand). Cytogenetic location: 17q11.2.
Variant type: single nucleotide variant.
Coding change: c.2420G>A on transcript NM_001042492.3 (MANE Select); coding-DNA position 2420, G replaced by A.
Protein change: p.Ser807Asn; replaces serine 807 with asparagine.
Molecular consequence: missense variant.
Genome position (GRCh38, 1-based): chr17:31,229,035, G>A. VCF-style: chr17-31229035-G-A. GRCh37 (hg19) VCF-style: chr17-29556053-G-A.
Other names: c.2420G>A, p.Ser807Asn (NM_000267.4); short protein forms S807N.
Identifiers: ClinVar variation 821255 (VCV000821255.6), dbSNP rs1597715090, ClinGen allele CA398983819.

ClinVar aggregate classification (germline): Likely benign. Review status: criteria provided, single submitter (1 of 4 stars). 2 submissions from 2 submitters: Likely benign (1). 1 of the submissions does not count toward it. Last evaluated 2025-07-15.

Conditions:
Hereditary cancer-predisposing syndrome. Also called: Neoplastic Syndromes, Hereditary; Tumor predisposition; Hereditary Cancer Syndrome; Hereditary neoplastic syndrome. Identifiers: Orphanet 140162, MedGen C0027672, MeSH D009386, MONDO:0015356.
Cardiovascular phenotype. Identifiers: MedGen CN230736.
NF1-related disorder. Also called: NF1-related condition. Identifiers: MedGen CN379171.

Submissions (2):

Ambry Genetics
Classification: Likely benign for Cardiovascular phenotype; Hereditary cancer-predisposing syndrome. Last evaluated: 2025-07-15. Review status: criteria provided, single submitter. Criteria: Ambry Variant Classification Scheme 2023. Collection method: clinical testing. Allele origin: germline.

PreventionGenetics, part of Exact Sciences
Classification: Uncertain significance for NF1-related condition. Last evaluated: 2024-06-27. Review status: no assertion criteria provided. Collection method: clinical testing. Allele origin: germline. Not counted in ClinVar's aggregate classification.
Comment: The NF1 c.2420G>A variant is predicted to result in the amino acid substitution p.Ser807Asn. To our knowledge, this variant has not been reported in the literature or in gnomAD, indicating this variant is rare. This variant is classified as a variant of uncertain significance in ClinVar. At this time, the clinical significance of this variant is uncertain due to the absence of conclusive functional and genetic evidence.